The following is an entry in ClinVar:

NM_144997.7(FLCN):c.52_54delinsGCA (p.Thr18Ala)

Gene: FLCN (folliculin; minus strand). Cytogenetic location: 17p11.2.
Variant type: Indel.
Coding change: c.52_54delinsGCA on transcript NM_144997.7 (MANE Select); coding-DNA positions 52 to 54, ACT replaced by GCA.
Protein change: p.Thr18Ala; replaces threonine 18 with alanine.
Molecular consequence: missense variant.
Genome position (GRCh38, 1-based): chr17:17,228,084-17,228,086, AGT replaced by TGC on the plus strand (ACT replaced by GCA on the coding strand, the reverse complement: FLCN is on the minus strand). VCF-style: chr17-17228084-AGT-TGC. GRCh37 (hg19) VCF-style: chr17-17131398-AGT-TGC.
Other names: c.52_54delinsGCA, p.Thr18Ala (NM_001353229.2, NM_001353230.2, NM_001353231.2 and 1 more transcripts); short protein forms T18A.
Identifiers: ClinVar variation 1030232 (VCV001030232.1), dbSNP rs2047314194, ClinGen allele CA2250420706.

ClinVar aggregate classification (germline): Uncertain significance (1 of 4 stars; one submission).

Conditions:
Birt-Hogg-Dube syndrome. Also called: Birt Hogg Dubé syndrome. Identifiers: Orphanet 122, MedGen C0346010, MONDO:0800444.

Submission:

Baylor Genetics
Classification: Uncertain significance for Birt-Hogg-Dube syndrome 1. Last evaluated: 2020-05-16. Review status: criteria provided, single submitter. Criteria: ACMG Guidelines, 2015. Collection method: clinical testing. Allele origin: unknown. Affected: yes.
Comment: This variant was determined to be of uncertain significance according to ACMG Guidelines, 2015 [PMID:25741868].